The following is an entry in ClinVar:

ClinVar aggregate classification (germline): Uncertain significance. Review status: criteria provided, multiple submitters, no conflicts (2 of 4 stars). 2 submissions from 2 submitters: Uncertain significance (2). Last evaluated 2023-10-06.

Conditions:
Inborn genetic diseases. Identifiers: MedGen C0950123, MeSH D030342.

Allele frequency attached by ClinVar (database versions not stated): ExAC 0.00001; gnomAD 0.00001; gnomAD exomes 0.00004; TOPMed 0.00004.
gnomAD v4.1: 57 of 1,613,934 alleles (0.0035%); highest among the groups gnomAD compares: Admixed American, 0.005%; no homozygotes.

Submissions (2):

Ambry Genetics
Classification: Uncertain significance for Inborn genetic diseases. Last evaluated: 2023-10-06. Review status: criteria provided, single submitter. Criteria: Ambry Variant Classification Scheme 2023. Collection method: clinical testing. Allele origin: germline.

Labcorp Genetics (formerly Invitae), Labcorp
Classification: Uncertain significance. Last evaluated: 2022-06-08. Review status: criteria provided, single submitter. Criteria: Invitae Variant Classification Sherloc (09022015). Collection method: clinical testing. Allele origin: germline.
Comment: In summary, the available evidence is currently insufficient to determine the role of this variant in disease. Therefore, it has been classified as a Variant of Uncertain Significance. Advanced modeling of protein sequence and biophysical properties (such as structural, functional, and spatial information, amino acid conservation, physicochemical variation, residue mobility, and thermodynamic stability) performed at Invitae indicates that this missense variant is not expected to disrupt PCDH12 protein function. This variant has not been reported in the literature in individuals affected with PCDH12-related conditions. This variant is present in population databases (rs767375233, gnomAD 0.009%). This sequence change replaces arginine, which is basic and polar, with histidine, which is basic and polar, at codon 827 of the PCDH12 protein (p.Arg827His).

NM_016580.4(PCDH12):c.2480G>A (p.Arg827His)

Genes: PCDH12 (protocadherin 12; minus strand), RNF14 (ring finger protein 14; plus strand). Cytogenetic location: 5q31.3.
Variant type: single nucleotide variant.
Coding change: c.2480G>A on transcript NM_016580.4 (MANE Select); coding-DNA position 2480, G replaced by A.
Protein change: p.Arg827His; replaces arginine 827 with histidine.
Molecular consequence: missense variant.
Genome position (GRCh38, 1-based): chr5:141,955,372, C>T on the plus strand (G>A on the coding strand, the complement: PCDH12 is on the minus strand). VCF-style: chr5-141955372-C-T. GRCh37 (hg19) VCF-style: chr5-141334937-C-T.
Other names: c.2480G>A (NM_016580.2); short protein forms R827H.
Identifiers: ClinVar variation 1929311 (VCV001929311.6), dbSNP rs767375233, ClinGen allele CA3484213.